The following is an entry in ClinVar:

ClinVar aggregate classification (germline): Likely benign (1 of 4 stars; one submission).

Allele frequency attached by ClinVar (database versions not stated): 1000 Genomes Project 0.00479; gnomAD 0.00529; 1000 Genomes Project 30x 0.00593; TOPMed 0.00604.
gnomAD v4.1: 800 of 152,264 alleles (0.53%); highest among the groups gnomAD compares: African/African-American, 1.8%; 11 homozygotes.

Submission:

GeneDx
Classification: Likely benign. Last evaluated: 2021-06-18. Review status: criteria provided, single submitter. Criteria: GeneDx Variant Classification Process June 2021. Collection method: clinical testing. Allele origin: germline. Affected: yes.
Comment: See Variant Classification Assertion Criteria.

NM_002838.5(PTPRC):c.659-216A>G

Gene: PTPRC (protein tyrosine phosphatase receptor type C; plus strand). Cytogenetic location: 1q32.1.
Variant type: single nucleotide variant.
Coding change: c.659-216A>G on transcript NM_002838.5 (MANE Select); 216 bases into the intron before coding-DNA position 659, A replaced by G.
Molecular consequence: intron variant.
Genome position (GRCh38, 1-based): chr1:198,704,256, A>G. VCF-style: chr1-198704256-A-G. GRCh37 (hg19) VCF-style: chr1-198673385-A-G.
Other names: c.176-216A>G (NM_080921.4).
Identifiers: ClinVar variation 1707208 (VCV001707208.2), dbSNP rs147792001, ClinGen allele CA36183065.
Genomic context (GRCh38, chr1:198,704,256, plus strand): 5'-CATACCGCCAATTAGATGCGTACCTAAAAGTCTTAATATTGTTAATTGTATTTATTGGGT[A>G]TATTTATGAAAAATTTTATAGAATTAGCTCATTCCTTTATAATGCTTTAAGTTTTGAAAT-3'